The following is an entry in ClinVar:

ClinVar aggregate classification (germline): Uncertain significance (1 of 4 stars; one submission).

Conditions:
Cardiovascular phenotype. Identifiers: MedGen CN230736.

Submission:

Ambry Genetics
Classification: Uncertain significance for Cardiovascular phenotype. Last evaluated: 2023-09-07. Review status: criteria provided, single submitter. Criteria: Ambry Variant Classification Scheme 2023. Collection method: clinical testing. Allele origin: germline.
Comment: The p.G1080V variant (also known as c.3239G>T), located in coding exon 15 of the DSG2 gene, results from a G to T substitution at nucleotide position 3239. The glycine at codon 1080 is replaced by valine, an amino acid with dissimilar properties. This amino acid position is conserved. In addition, this alteration is predicted to be tolerated by in silico analysis. Since supporting evidence is limited at this time, the clinical significance of this alteration remains unclear.

NM_001943.5(DSG2):c.3239G>T (p.Gly1080Val)

Genes: DSG2 (desmoglein 2; plus strand), DSG2-AS1 (DSG2 antisense RNA 1; minus strand). Cytogenetic location: 18q12.1.
Variant type: single nucleotide variant.
Coding change: c.3239G>T on transcript NM_001943.5 (MANE Select); coding-DNA position 3239, G replaced by T.
Protein change: p.Gly1080Val; replaces glycine 1080 with valine.
Molecular consequence: missense variant.
Genome position (GRCh38, 1-based): chr18:31,546,625, G>T. VCF-style: chr18-31546625-G-T. GRCh37 (hg19) VCF-style: chr18-29126588-G-T.
Other names: short protein forms G1080V.
Identifiers: ClinVar variation 2625501 (VCV002625501.2), dbSNP rs2510922850, ClinGen allele CA402149071.
Genomic context (GRCh38, chr18:31,546,625, plus strand): 5'-GTTACCAGATTCCCACTGAAAATTCTATGACGGCTAGGAACACCACGGTGTCTGGAGCTG[G>T]AGTCCCTGGCCCTCTGCCAGATTTTGGTTTAGAGGAATCTGGTCATTCTAATTCTACCAT-3'
Protein context (NP_001934.2, residues 1070-1090): TARNTTVSGA[Gly1080Val]VPGPLPDFGL